The following is an entry in ClinVar:

ClinVar aggregate classification (germline): Uncertain significance (1 of 4 stars; one submission).

Conditions:
Autosomal dominant nonsyndromic hearing loss 1. Also called: KONIGSMARK SYNDROME; DEAFNESS, AUTOSOMAL DOMINANT 1, WITH OR WITHOUT THROMBOCYTOPENIA. Identifiers: Orphanet 90635, MedGen C1852282, MONDO:0007424, OMIM 124900.
Progressive microcephaly-seizures-cortical blindness-developmental delay syndrome. Also called: Seizures, cortical blindness, and microcephaly syndrome. Identifiers: Orphanet 477814, MedGen C5567650, MONDO:0014714, OMIM 616632.

Submission:

Labcorp Genetics (formerly Invitae), Labcorp
Classification: Uncertain significance for Progressive microcephaly-seizures-cortical blindness-developmental delay syndrome; Autosomal dominant nonsyndromic hearing loss 1. Last evaluated: 2024-09-06. Review status: criteria provided, single submitter. Criteria: Invitae Variant Classification Sherloc (09022015). Collection method: clinical testing. Allele origin: germline.
Comment: This sequence change replaces glutamine, which is neutral and polar, with histidine, which is basic and polar, at codon 1065 of the DIAPH1 protein (p.Gln1065His). This variant is not present in population databases (gnomAD no frequency). This variant has not been reported in the literature in individuals affected with DIAPH1-related conditions. An algorithm developed to predict the effect of missense changes on protein structure and function (PolyPhen-2) suggests that this variant is likely to be disruptive. In summary, the available evidence is currently insufficient to determine the role of this variant in disease. Therefore, it has been classified as a Variant of Uncertain Significance.

NM_005219.5(DIAPH1):c.3195A>C (p.Gln1065His)

Gene: DIAPH1 (diaphanous related formin 1; minus strand). Cytogenetic location: 5q31.3.
Variant type: single nucleotide variant.
Coding change: c.3195A>C on transcript NM_005219.5 (MANE Select); coding-DNA position 3195, A replaced by C.
Protein change: p.Gln1065His; replaces glutamine 1065 with histidine.
Molecular consequence: missense variant.
Genome position (GRCh38, 1-based): chr5:141,527,651, T>G on the plus strand (A>C on the coding strand, the complement: DIAPH1 is on the minus strand). VCF-style: chr5-141527651-T-G. GRCh37 (hg19) VCF-style: chr5-140907218-T-G.
Other names: c.3168A>C, p.Gln1056His (NM_001079812.3); c.3195A>C, p.Gln1065His (NM_001314007.2); short protein forms Q1056H, Q1065H.
Identifiers: ClinVar variation 3758100 (VCV003758100.2).
Genomic context (GRCh38, chr5:141,527,651, plus strand): 5'-CTTGTCTTTTTCATCTGTGGCAGCTGGGAAATTCTGAACATCACGTTCCACATCAGAAAT[T>G]TGTTTCTTCATCTGATCTAGGTTCTTTTGCAAGTTTTCAGCAGAAACTAAAAAAAAAAAA-3'
Protein context (NP_005210.3, residues 1055-1075): LQKNLDQMKK[Gln1065His]ISDVERDVQN